The following is an entry in ClinVar:

NM_001267550.2(TTN):c.7950C>T (p.Gly2650=)

Gene: TTN (titin; minus strand). Cytogenetic location: 2q31.2.
Variant type: single nucleotide variant.
Coding change: c.7950C>T on transcript NM_001267550.2 (MANE Select); coding-DNA position 7950, C replaced by T.
Protein change: p.Gly2650=; no amino-acid change (glycine 2650 retained).
Molecular consequence: synonymous variant.
Genome position (GRCh38, 1-based): chr2:178,771,377, G>A on the plus strand (C>T on the coding strand, the complement: TTN is on the minus strand). VCF-style: chr2-178771377-G-A. GRCh37 (hg19) VCF-style: chr2-179636104-G-A.
Other names: c.7950C>T, p.Gly2650= (NM_001256850.1, NM_133378.4, NM_133379.5); c.7812C>T, p.Gly2604= (NM_003319.4, NM_133432.3, NM_133437.4).
Identifiers: ClinVar variation 1760746 (VCV001760746.3), dbSNP rs773756480, ClinGen allele CA2004709.

ClinVar aggregate classification (germline): Uncertain significance (1 of 4 stars; one submission).

Conditions:
Cardiovascular phenotype. Identifiers: MedGen CN230736.

Allele frequency attached by ClinVar (database versions not stated): TOPMed below 0.00001; ExAC 0.00001; gnomAD 0.00001; gnomAD exomes 0.00001.
gnomAD v4.1: 12 of 1,613,830 alleles (0.00074%); highest among the groups gnomAD compares: African/African-American, 0.0013%; no homozygotes.

Submission:

Ambry Genetics
Classification: Uncertain significance for Cardiovascular phenotype. Last evaluated: 2024-10-18. Review status: criteria provided, single submitter. Criteria: Ambry Variant Classification Scheme 2023. Collection method: clinical testing. Allele origin: germline.
Comment: The c.7812C>T variant (also known as p.G2604G), located in coding exon 32 of the TTN gene, results from a C to T substitution at nucleotide position 7812. This nucleotide substitution does not change the amino acid at codon 2604. This nucleotide position is poorly conserved in available vertebrate species. In silico splice site analysis for this alteration is inconclusive. Since supporting evidence is limited at this time, the clinical significance of this alteration remains unclear.